The following is an entry in ClinVar:

ClinVar aggregate classification (germline): Conflicting classifications of pathogenicity. Review status: criteria provided, conflicting classifications (1 of 4 stars). 11 submissions from 11 submitters: Uncertain significance (2); Benign (4); Likely benign (4). 1 of the submissions does not count toward it. Last evaluated 2026-10-01.

Conditions:
Werner syndrome (WRN). Identifiers: Orphanet 902, MedGen C0043119, MONDO:0010196, OMIM 277700.

Allele frequency attached by ClinVar (database versions not stated): ExAC 0.00274; gnomAD 0.00275 and 0.00276; TOPMed 0.00304; ESP Exome Variant Server 0.00346; 1000 Genomes Project 0.00080; 1000 Genomes Project 30x 0.00094; gnomAD exomes 0.00273.
gnomAD v4.1: 7,947 of 1,613,518 alleles (0.49%); highest among the groups gnomAD compares: Non-Finnish European, 0.63%; 34 homozygotes.

Submissions (12):

CeGaT Center for Human Genetics Tuebingen
Classification: Likely benign. Last evaluated: 2026-10-01. Review status: criteria provided, single submitter. Criteria: CeGaT Center For Human Genetics Tuebingen Variant Classification Criteria Version 2. Collection method: clinical testing. Allele origin: germline. Affected: yes. Observed: 30 variant alleles.
Comment: WRN: BP1, BS1

Labcorp Genetics (formerly Invitae), Labcorp
Classification: Benign for Werner syndrome. Last evaluated: 2026-02-04. Review status: criteria provided, single submitter. Criteria: Invitae Variant Classification Sherloc (09022015). Collection method: clinical testing. Allele origin: germline.

Mayo Clinic Laboratories, Mayo Clinic
Classification: Benign. Last evaluated: 2024-12-17. Review status: criteria provided, single submitter. Criteria: ACMG Guidelines, 2015. Collection method: clinical testing. Allele origin: germline. Observed: 3 variant alleles.
Comment: BS1, BS2, BP6

Women's Health and Genetics/Laboratory Corporation of America, LabCorp
Classification: Benign. Last evaluated: 2022-02-26. Review status: criteria provided, single submitter. Criteria: LabCorp Variant Classification Summary - May 2015. Collection method: clinical testing. Allele origin: germline.
Comment: Variant summary: WRN c.3785C>G (p.Thr1262Arg) results in a non-conservative amino acid change located in the Helicase Helix-turn-helix domain (IPR029491) of the encoded protein sequence. Four of five in-silico tools predict a damaging effect of the variant on protein function. The variant allele was found at a frequency of 0.0027 in 251350 control chromosomes, predominantly at a frequency of 0.0053 within the Non-Finnish European subpopulation in the gnomAD database, including 5 homozygotes. The observed variant frequency within Non-Finnish European control individuals in the gnomAD database is approximately 2 fold of the estimated maximal expected allele frequency for a pathogenic variant in WRN causing Werner Syndrome phenotype (0.0025), strongly suggesting that the variant is a benign polymorphism found primarily in populations of Non-Finnish European origin. Although reported in the literature, to our knowledge, no penetrant association of c.3785C>G in individuals affected with Werner Syndrome and no experimental evidence demonstrating its impact on protein function have been reported. Eight clinical diagnostic laboratories have submitted clinical-significance assessments for this variant to ClinVar after 2014 without evidence for independent evaluation and a majority consensus as benign/likely benign. Based on the evidence outlined above, the variant was classified as benign.

Institute for Clinical Genetics, University Hospital TU Dresden, University Hospital TU Dresden
Classification: Uncertain significance. Last evaluated: 2021-11-03. Review status: criteria provided, single submitter. Criteria: ACMG Guidelines, 2015. Collection method: clinical testing. Allele origin: germline.

Genetic Services Laboratory, University of Chicago
Classification: Likely benign. Last evaluated: 2021-10-14. Review status: criteria provided, single submitter. Criteria: ACMG Guidelines, 2015. Collection method: clinical testing. Allele origin: germline. Affected: no.

GeneDx
Classification: Likely benign. Last evaluated: 2021-04-20. Review status: criteria provided, single submitter. Criteria: GeneDx Variant Classification Process June 2021. Collection method: clinical testing. Allele origin: germline. Affected: yes.
Comment: This variant is associated with the following publications: (PMID: 23891399, 26546047, 27153395, 24728327)

Mendelics
Classification: Likely benign for Werner syndrome. Last evaluated: 2019-05-28. Review status: criteria provided, single submitter. Criteria: Mendelics Assertion Criteria 2017. Collection method: clinical testing. Allele origin: unknown.

Illumina Laboratory Services, Illumina
Classification: Uncertain significance for Werner syndrome. Last evaluated: 2018-01-13. Review status: criteria provided, single submitter. Criteria: ICSL Variant Classification Criteria 13 December 2019. Collection method: clinical testing. Allele origin: germline.

Eurofins Ntd Llc (ga)
Classification: Benign. Last evaluated: 2017-03-08. Review status: criteria provided, single submitter. Criteria: EGL Classification Definitions 2015. Collection method: clinical testing. Allele origin: germline. Observed: 3 variant alleles, 3 heterozygotes.

ITMI
No classification provided. Condition: AllHighlyPenetrant. Last evaluated: 2013-09-19. Review status: no classification provided. Collection method: reference population. Allele origin: germline. Not counted in ClinVar's aggregate classification.
Comment: Please see associated publication for description of ethnicities

Dr. Peter K. Rogan Lab, Western University
No classification provided (evidence only). Condition: Papillary renal cell carcinoma type 1. Review status: no classification provided. Collection method: in vitro. Allele origin: not applicable. Functional consequence: retained intron. Not counted in ClinVar's aggregate classification.

Literature cited by the submitters: PubMed 26546047 (cited by Mayo Clinic Laboratories, Mayo Clinic and Eurofins Ntd Llc (ga)); PubMed 34646395 (cited by Mayo Clinic Laboratories, Mayo Clinic); PubMed 27153395 (cited by Eurofins Ntd Llc (ga)); PubMed 24728327 (cited by ITMI).

NM_000553.6(WRN):c.3785C>G (p.Thr1262Arg)

Gene: WRN (WRN RecQ like helicase; plus strand). Cytogenetic location: 8p12.
Variant type: single nucleotide variant.
Coding change: c.3785C>G on transcript NM_000553.6 (MANE Select); coding-DNA position 3785, C replaced by G.
Protein change: p.Thr1262Arg; replaces threonine 1262 with arginine.
Molecular consequence: missense variant.
Genome position (GRCh38, 1-based): chr8:31,154,721, C>G. VCF-style: chr8-31154721-C-G. GRCh37 (hg19) VCF-style: chr8-31012237-C-G.
Other names: p.Thr1262Arg; short protein forms T1262R.
Identifiers: ClinVar variation 135436 (VCV000135436.66), dbSNP rs78488552, ClinGen allele CA162758.